The following is an entry in ClinVar:

NM_000138.5(FBN1):c.2585G>C (p.Cys862Ser)

Gene: FBN1 (fibrillin 1; minus strand). Cytogenetic location: 15q21.1.
Variant type: single nucleotide variant.
Coding change: c.2585G>C on transcript NM_000138.5 (MANE Select); coding-DNA position 2585, G replaced by C.
Protein change: p.Cys862Ser; replaces cysteine 862 with serine.
Molecular consequence: missense variant.
Genome position (GRCh38, 1-based): chr15:48,495,215, C>G on the plus strand (G>C on the coding strand, the complement: FBN1 is on the minus strand). VCF-style: chr15-48495215-C-G. GRCh37 (hg19) VCF-style: chr15-48787412-C-G.
Other names: c.2585G>C, p.Cys862Ser (NM_001406716.1); short protein forms C862S.
Identifiers: ClinVar variation 3068780 (VCV003068780.2), dbSNP rs1555399162, ClinGen allele CA392332709.

ClinVar aggregate classification (germline): Likely pathogenic (1 of 4 stars; one submission).

Conditions:
Marfan Syndrome/Loeys-Dietz Syndrome/Familial Thoracic Aortic Aneurysms and Dissections. Identifiers: MedGen CN229799.

Submission:

Women's Health and Genetics/Laboratory Corporation of America, LabCorp
Classification: Likely pathogenic for Marfan Syndrome/Loeys-Dietz Syndrome/Familial Thoracic Aortic Aneurysms and Dissections. Last evaluated: 2024-02-27. Review status: criteria provided, single submitter. Criteria: LabCorp Variant Classification Summary - May 2015. Collection method: clinical testing. Allele origin: germline.
Comment: Variant summary: FBN1 c.2585G>C (p.Cys862Ser) results in a non-conservative amino acid change located in the TB domain (IPR017878) of the encoded protein sequence. Five of five in-silico tools predict a damaging effect of the variant on protein function. This variant involves the substitution of a cysteine, which are known to be important structural components of the FBN1 protein. "The sulfhydryl group of cysteine is unique in its ability to participate in disulfide covalent cross-linkage. In fact, two-thirds of fibrillin cysteine residues exist in the half-cystinyl form, suggesting their participation in intramolecular disulfide linkage (Dietz_1992)". Therefore, the substitution of a cysteine may disrupt the structure of the FBN1 protein, affecting its function. The variant was absent in 251450 control chromosomes. To our knowledge, no occurrence of c.2585G>C in individuals affected with Marfan Syndrome and no experimental evidence demonstrating its impact on protein function have been reported. Other variants at the Cys862 residue have been reported as associated with disease (p.Cys862Arg and p.Cys862Tyr), suggesting that this codon is functionally important. ClinVar contains an entry for this variant (Variation ID: 1355569). Based on the evidence outlined above, the variant was classified as likely pathogenic.